The following is an entry in ClinVar:

NM_000539.3(RHO):c.329G>T (p.Cys110Phe)

Gene: RHO (rhodopsin; plus strand). Cytogenetic location: 3q22.1.
Variant type: single nucleotide variant.
Coding change: c.329G>T on transcript NM_000539.3 (MANE Select); coding-DNA position 329, G replaced by T.
Protein change: p.Cys110Phe; replaces cysteine 110 with phenylalanine.
Molecular consequence: missense variant.
Genome position (GRCh38, 1-based): chr3:129,529,062, G>T. VCF-style: chr3-129529062-G-T. GRCh37 (hg19) VCF-style: chr3-129247905-G-T.
Other names: short protein forms C110F.
Identifiers: ClinVar variation 2628072 (VCV002628072.7), dbSNP rs104893787, ClinGen allele CA354496917.

ClinVar aggregate classification (germline): Pathogenic/Likely pathogenic. Review status: criteria provided, multiple submitters, no conflicts (2 of 4 stars). 4 submissions from 4 submitters: Pathogenic (3); Likely pathogenic (1). Last evaluated 2025-05-13.

Conditions:
RHO-related disorder. Also called: RHO-related condition.
Retinitis pigmentosa 4 (RP4). Also called: RETINITIS PIGMENTOSA, RHODOPSIN-RELATED. Identifiers: Orphanet 791, MedGen C3151001, MONDO:0013395, OMIM 613731.

Submissions (4):

Dasa
Classification: Pathogenic. Last evaluated: 2025-05-13. Review status: criteria provided, single submitter. Criteria: DASA Assertion Criteria. Collection method: clinical testing. Allele origin: germline.
Comment: NM_000539.3(RHO):c.329G>T (p.Cys110Phe) is a missense variant that results in the substitution of cysteine with phenylalanine. The affected residue or protein region has prior evidence supporting clinical relevance. Functional evidence supports a deleterious effect on the gene or gene product (PMID: 16799052; PMID: 8088850; PMID: 9810568; PMID: 19913029; PMID: 30240733). This variant has been recurrently observed in individuals with related phenotype (PMID: 16799052; PMID: 8088850; PMID: 9810568; PMID: 19913029; PMID: 30240733). Multiple computational predictions support a deleterious effect on the gene or gene product. The variant is present at low frequency in population datasets. Based on the available data, this variant is classified as pathogenic.

Blueprint Genetics
Classification: Pathogenic for RHO-related disorders. Last evaluated: 2024-07-12. Review status: criteria provided, single submitter. Criteria: ACMG Guidelines, 2015. Collection method: clinical testing. Allele origin: germline. Affected: yes. Observed: 2 variant alleles.

Center for Human Genetics and Genomic Medicine, Uniklinik Rwth Aachen
Classification: Likely pathogenic for Retinitis pigmentosa 4. Last evaluated: 2023-10-12. Review status: criteria provided, single submitter. Criteria: ACMG Guidelines, 2015. Collection method: clinical testing. Allele origin: inherited. Inheritance: Autosomal dominant inheritance. Affected: yes. Observed: 1 heterozygote.

Labcorp Genetics (formerly Invitae), Labcorp
Classification: Pathogenic. Last evaluated: 2023-05-30. Review status: criteria provided, single submitter. Criteria: Invitae Variant Classification Sherloc (09022015). Collection method: clinical testing. Allele origin: germline.
Comment: This sequence change replaces cysteine, which is neutral and slightly polar, with phenylalanine, which is neutral and non-polar, at codon 110 of the RHO protein (p.Cys110Phe). This variant is not present in population databases (gnomAD no frequency). For these reasons, this variant has been classified as Pathogenic. This variant disrupts the p.Cys110 amino acid residue in RHO. Other variant(s) that disrupt this residue have been determined to be pathogenic (PMID: 8088850, 9810568, 19913029, 30240733). This suggests that this residue is clinically significant, and that variants that disrupt this residue are likely to be disease-causing. Experimental studies have shown that this missense change affects RHO function (PMID: 10051572, 19913029, 30977563). Advanced modeling of protein sequence and biophysical properties (such as structural, functional, and spatial information, amino acid conservation, physicochemical variation, residue mobility, and thermodynamic stability) performed at Invitae indicates that this missense variant is expected to disrupt RHO protein function. This missense change has been observed in individuals with autosomal dominant retinitis pigmentosa (PMID: 7981701, 11139241).

Literature cited by the submitters: PubMed 16799052 (cited by Dasa); PubMed 8088850 (cited by Dasa and Labcorp Genetics (formerly Invitae), Labcorp); PubMed 9810568 (cited by Dasa and Labcorp Genetics (formerly Invitae), Labcorp); PubMed 19913029 (cited by Dasa and Labcorp Genetics (formerly Invitae), Labcorp); PubMed 30240733 (cited by Dasa and Labcorp Genetics (formerly Invitae), Labcorp); PubMed 7981701 (cited by Dasa and Labcorp Genetics (formerly Invitae), Labcorp); PubMed 11139241 (cited by Dasa and Labcorp Genetics (formerly Invitae), Labcorp); PubMed 9342608 (cited by Dasa and Center for Human Genetics and Genomic Medicine, Uniklinik Rwth Aachen); PubMed 10051572 (cited by Dasa and Labcorp Genetics (formerly Invitae), Labcorp); PubMed 30977563 (cited by Labcorp Genetics (formerly Invitae), Labcorp).